The following is an entry in ClinVar:

ClinVar aggregate classification (germline): Uncertain significance (1 of 4 stars; one submission).

Conditions:
Primary ciliary dyskinesia. Also called: Ciliary dyskinesia. Identifiers: Orphanet 244, MedGen C0008780, MONDO:0016575, HP:0012265.

gnomAD v4.1: 3 of 1,569,822 alleles (0.00019%); highest among the groups gnomAD compares: South Asian, 0.0035%; no homozygotes.

Submission:

Labcorp Genetics (formerly Invitae), Labcorp
Classification: Uncertain significance for Primary ciliary dyskinesia. Last evaluated: 2025-10-22. Review status: criteria provided, single submitter. Criteria: Invitae Variant Classification Sherloc (09022015). Collection method: clinical testing. Allele origin: germline.
Comment: This sequence change replaces arginine, which is basic and polar, with glycine, which is neutral and non-polar, at codon 335 of the DNAAF3 protein (p.Arg335Gly). This variant is present in population databases (rs778639028, gnomAD 0.004%). This variant has not been reported in the literature in individuals affected with DNAAF3-related conditions. Invitae Evidence Modeling of protein sequence and biophysical properties (such as structural, functional, and spatial information, amino acid conservation, physicochemical variation, residue mobility, and thermodynamic stability) indicates that this missense variant is not expected to disrupt DNAAF3 protein function with a negative predictive value of 80%. In summary, the available evidence is currently insufficient to determine the role of this variant in disease. Therefore, it has been classified as a Variant of Uncertain Significance.

NM_001256715.2(DNAAF3):c.799C>G (p.Arg267Gly)

Genes: DNAAF3-AS1 (DNAAF3 antisense RNA 1; plus strand), DNAAF3 (dynein axonemal assembly factor 3; minus strand). Cytogenetic location: 19q13.42.
Variant type: single nucleotide variant.
Coding change: c.799C>G on transcript NM_001256715.2 (MANE Select); coding-DNA position 799, C replaced by G.
Protein change: p.Arg267Gly; replaces arginine 267 with glycine.
Molecular consequence: missense variant.
Genome position (GRCh38, 1-based): chr19:55,161,178, G>C on the plus strand (C>G on the coding strand, the complement: DNAAF3 is on the minus strand). VCF-style: chr19-55161178-G-C. GRCh37 (hg19) VCF-style: chr19-55672546-G-C.
Other names: c.1003C>G, p.Arg335Gly (NM_001256714.1); c.637C>G, p.Arg213Gly (NM_001256716.2); c.940C>G, p.Arg314Gly (NM_178837.4); short protein forms R213G, R335G, R267G, R314G.
Identifiers: ClinVar variation 4781679 (VCV004781679.1).